The following is an entry in ClinVar:

NM_005343.4(HRAS):c.217C>T (p.Arg73Cys)

Genes: HRAS (HRas proto-oncogene, GTPase; minus strand), LRRC56 (leucine rich repeat containing 56; plus strand). Cytogenetic location: 11p15.5.
Variant type: single nucleotide variant.
Coding change: c.217C>T on transcript NM_005343.4 (MANE Select); coding-DNA position 217, C replaced by T.
Protein change: p.Arg73Cys; replaces arginine 73 with cysteine.
Molecular consequence: missense variant. On other transcripts: 5 prime UTR variant (1).
Genome position (GRCh38, 1-based): chr11:533,839, G>A on the plus strand (C>T on the coding strand, the complement: HRAS is on the minus strand). VCF-style: chr11-533839-G-A. GRCh37 (hg19) VCF-style: chr11-533839-G-A.
Other names: c.217C>T, p.Arg73Cys (NM_001130442.3, NM_176795.5); c.-103C>T (NM_001318054.2); short protein forms R73C.
Identifiers: ClinVar variation 2973421 (VCV002973421.3), dbSNP rs749674880, ClinGen allele CA216882919.

ClinVar aggregate classification (germline): Uncertain significance (1 of 4 stars; one submission).

Conditions:
Costello syndrome (CSTLO). Also called: FCS SYNDROME; FACIOCUTANEOSKELETAL SYNDROME; HRAS-Related Costello Syndrome. Identifiers: Orphanet 3071, MedGen C0587248, MONDO:0009026, OMIM 218040.

gnomAD v4.1: 1 of 1,613,318 alleles (0.000062%); highest among the groups gnomAD compares: Non-Finnish European, 0.000085%; no homozygotes.

Submission:

Labcorp Genetics (formerly Invitae), Labcorp
Classification: Uncertain significance for Costello syndrome. Last evaluated: 2023-03-04. Review status: criteria provided, single submitter. Criteria: Invitae Variant Classification Sherloc (09022015). Collection method: clinical testing. Allele origin: germline.
Comment: This sequence change replaces arginine, which is basic and polar, with cysteine, which is neutral and slightly polar, at codon 73 of the HRAS protein (p.Arg73Cys). This variant is not present in population databases (gnomAD no frequency). This variant has not been reported in the literature in individuals affected with HRAS-related conditions. An algorithm developed to predict the effect of missense changes on protein structure and function (PolyPhen-2) suggests that this variant is likely to be disruptive. In summary, the available evidence is currently insufficient to determine the role of this variant in disease. Therefore, it has been classified as a Variant of Uncertain Significance.